The following is an entry in ClinVar:

NM_003482.4(KMT2D):c.8845A>G (p.Thr2949Ala)

Gene: KMT2D (lysine methyltransferase 2D; minus strand). Cytogenetic location: 12q13.12.
Variant type: single nucleotide variant.
Coding change: c.8845A>G on transcript NM_003482.4 (MANE Select); coding-DNA position 8845, A replaced by G.
Protein change: p.Thr2949Ala; replaces threonine 2949 with alanine.
Molecular consequence: missense variant.
Genome position (GRCh38, 1-based): chr12:49,038,511, T>C on the plus strand (A>G on the coding strand, the complement: KMT2D is on the minus strand). VCF-style: chr12-49038511-T-C. GRCh37 (hg19) VCF-style: chr12-49432294-T-C.
Other names: short protein forms T2949A.
Identifiers: ClinVar variation 2143915 (VCV002143915.4), dbSNP rs2120499153, ClinGen allele CA384740734.
Genomic context (GRCh38, chr12:49,038,511, plus strand): 5'-ACGGGGGCCGGTTGACCAGCTCCAAACCAGTTGGCAGGGTAGGACCCTTGGTGTGGGGTG[T>C]TGGATGAAGACTGTTGTTCAATTCAGGGGCCGGTGGGGCTGAGGGTTTCTGTGGGGGAAG-3'
Protein context (NP_003473.3, residues 2939-2959): APELNNSLHP[Thr2949Ala]PHTKGPTLPT

ClinVar aggregate classification (germline): Uncertain significance (1 of 4 stars; one submission).

Conditions:
Kabuki syndrome. Also called: NIIKAWA-KUROKI SYNDROME; Kabuki make-up syndrome. Identifiers: Orphanet 2322, MedGen C0796004, MONDO:0016512.

Allele frequency attached by ClinVar (database versions not stated): gnomAD exomes below 0.00001.
gnomAD v4.1: 1 of 1,607,038 alleles (0.000062%); highest among the groups gnomAD compares: Non-Finnish European, 0.000085%; no homozygotes.

Submission:

Labcorp Genetics (formerly Invitae), Labcorp
Classification: Uncertain significance for Kabuki syndrome. Last evaluated: 2022-05-03. Review status: criteria provided, single submitter. Criteria: Invitae Variant Classification Sherloc (09022015). Collection method: clinical testing. Allele origin: germline.
Comment: This sequence change replaces threonine, which is neutral and polar, with alanine, which is neutral and non-polar, at codon 2949 of the KMT2D protein (p.Thr2949Ala). In summary, the available evidence is currently insufficient to determine the role of this variant in disease. Therefore, it has been classified as a Variant of Uncertain Significance. Advanced modeling of protein sequence and biophysical properties (such as structural, functional, and spatial information, amino acid conservation, physicochemical variation, residue mobility, and thermodynamic stability) performed at Invitae indicates that this missense variant is not expected to disrupt KMT2D protein function. This variant has not been reported in the literature in individuals affected with KMT2D-related conditions. This variant is not present in population databases (gnomAD no frequency).